The following is an entry in ClinVar:

NM_014249.4(NR2E3):c.425G>A (p.Arg142Gln)

Gene: NR2E3 (nuclear receptor subfamily 2 group E member 3; plus strand). Cytogenetic location: 15q23.
Variant type: single nucleotide variant.
Coding change: c.425G>A on transcript NM_014249.4 (MANE Select); coding-DNA position 425, G replaced by A.
Protein change: p.Arg142Gln; replaces arginine 142 with glutamine.
Molecular consequence: missense variant.
Genome position (GRCh38, 1-based): chr15:71,812,030, G>A. VCF-style: chr15-71812030-G-A. GRCh37 (hg19) VCF-style: chr15-72104370-G-A.
Other names: c.425G>A, p.Arg142Gln (NM_016346.4); c.425G>A (NM_014249.2); short protein forms R142Q.
Identifiers: ClinVar variation 970722 (VCV000970722.5), dbSNP rs985502276, ClinGen allele CA272575132.

ClinVar aggregate classification (germline): Uncertain significance. Review status: criteria provided, multiple submitters, no conflicts (2 of 4 stars). 3 submissions from 3 submitters: Uncertain significance (2). 1 of the submissions does not count toward it. Last evaluated 2025-08-21.

Conditions:
Enhanced S-cone syndrome (ESCS). Identifiers: Orphanet 53540, MedGen C1849394, MONDO:0100288, MONDO:0009989.
Inborn genetic diseases. Identifiers: MedGen C0950123, MeSH D030342.

Allele frequency attached by ClinVar (database versions not stated): TOPMed 0.00003; gnomAD 0.00001; gnomAD exomes 0.00002.

Submissions (3):

Ambry Genetics
Classification: Uncertain significance for Inborn genetic diseases. Last evaluated: 2025-08-21. Review status: criteria provided, single submitter. Criteria: Ambry Variant Classification Scheme 2023. Collection method: clinical testing. Allele origin: germline.

Labcorp Genetics (formerly Invitae), Labcorp
Classification: Uncertain significance. Last evaluated: 2022-06-13. Review status: criteria provided, single submitter. Criteria: Invitae Variant Classification Sherloc (09022015). Collection method: clinical testing. Allele origin: germline.
Comment: This sequence change replaces arginine, which is basic and polar, with glutamine, which is neutral and polar, at codon 142 of the NR2E3 protein (p.Arg142Gln). The frequency data for this variant in the population databases is considered unreliable, as metrics indicate poor data quality at this position in the gnomAD database. This variant has not been reported in the literature in individuals affected with NR2E3-related conditions. ClinVar contains an entry for this variant (Variation ID: 970722). In summary, the available evidence is currently insufficient to determine the role of this variant in disease. Therefore, it has been classified as a Variant of Uncertain Significance.

Natera, Inc.
Classification: Uncertain significance for Enhanced S cone syndrome. Last evaluated: 2020-06-19. Review status: no assertion criteria provided. Collection method: clinical testing. Allele origin: germline. Not counted in ClinVar's aggregate classification.